The following is an entry in ClinVar:

NM_000551.4(VHL):c.458T>A (p.Leu153Gln)

Genes: VHL (von Hippel-Lindau tumor suppressor; plus strand), LOC107303340 (3p25 von Hippel-Lindau tumor suppressor, E3 ubiquitin protein ligase Alu-mediated recombination region; plus strand). Cytogenetic location: 3p25.3.
Variant type: single nucleotide variant.
Coding change: c.458T>A on transcript NM_000551.4 (MANE Select); coding-DNA position 458, T replaced by A.
Protein change: p.Leu153Gln; replaces leucine 153 with glutamine.
Molecular consequence: missense variant. On other transcripts: intron variant (2).
Genome position (GRCh38, 1-based): chr3:10,146,631, T>A. VCF-style: chr3-10146631-T-A. GRCh37 (hg19) VCF-style: chr3-10188315-T-A.
Other names: c.*18-3156T>A (NM_001354723.2); c.341-3156T>A (NM_198156.3); short protein forms L153Q.
Identifiers: ClinVar variation 36903 (VCV000036903.9), dbSNP rs193922611, ClinGen allele CA020365.

ClinVar aggregate classification (germline): Pathogenic/Likely pathogenic. Review status: criteria provided, multiple submitters, no conflicts (2 of 4 stars). 3 submissions from 3 submitters: Pathogenic (1); Likely pathogenic (2). Last evaluated 2025-07-18.

Conditions:
Von Hippel-Lindau syndrome (VHLS). Also called: von Hippel–Lindau syndrome; VHL syndrome; Von Hippel-Lindau. Identifiers: Orphanet 892, MedGen C0019562, MONDO:0008667, OMIM 193300. Disease mechanism: loss of function.
Chuvash polycythemia. Also called: POLYCYTHEMIA, VHL-DEPENDENT. Identifiers: Orphanet 238557, MedGen C1837915, MONDO:0009892, OMIM 263400.
Hereditary cancer-predisposing syndrome. Also called: Neoplastic Syndromes, Hereditary; Hereditary neoplastic syndrome; Tumor predisposition; Hereditary Cancer Syndrome. Identifiers: Orphanet 140162, MedGen C0027672, MeSH D009386, MONDO:0015356.

Submissions (3):

Ambry Genetics
Classification: Pathogenic for Hereditary cancer-predisposing syndrome. Last evaluated: 2025-07-18. Review status: criteria provided, single submitter. Criteria: Ambry Variant Classification Scheme 2023. Collection method: clinical testing. Allele origin: germline.
Comment: The p.L153Q pathogenic mutation (also known as c.458T>A), located in coding exon 2 of the VHL gene, results from a T to A substitution at nucleotide position 458. The leucine at codon 153 is replaced by glutamine, an amino acid with dissimilar properties. This variant was identified in one or more individuals with features consistent with von Hippel-Lindau syndrome and segregated with disease in at least one family (Ma X et al. Front Endocrinol (Lausanne), 2020 Dec;11:574662; Ambry internal data). This amino acid position is highly conserved in available vertebrate species. In addition, this alteration is predicted to be deleterious by in silico analysis. This variant was determined to be functionally deleterious in one saturation genome editing assay (Buckley M et al. Nat Genet, 2024 Jul;56:1446-1455). This variant is considered to be rare based on population cohorts in the Genome Aggregation Database (gnomAD). Based on the supporting evidence, this variant is interpreted as a disease-causing mutation.

Labcorp Genetics (formerly Invitae), Labcorp
Classification: Likely pathogenic for Von Hippel-Lindau syndrome; Chuvash polycythemia. Last evaluated: 2025-05-19. Review status: criteria provided, single submitter. Criteria: Invitae Variant Classification Sherloc (09022015). Collection method: clinical testing. Allele origin: germline.
Comment: This sequence change replaces leucine, which is neutral and non-polar, with glutamine, which is neutral and polar, at codon 153 of the VHL protein (p.Leu153Gln). This variant is not present in population databases (gnomAD no frequency). This missense change has been observed in individuals with clinical features of von Hippel-Lindau diseae (PMID: 33362715; internal data). ClinVar contains an entry for this variant (Variation ID: 36903). Invitae Evidence Modeling of protein sequence and biophysical properties (such as structural, functional, and spatial information, amino acid conservation, physicochemical variation, residue mobility, and thermodynamic stability) indicates that this missense variant is expected to disrupt VHL protein function with a positive predictive value of 95%. This variant disrupts the p.Leu153 amino acid residue in VHL. Other variant(s) that disrupt this residue have been observed in individuals with VHL-related conditions (PMID: 21463266, 36905328), which suggests that this may be a clinically significant amino acid residue. In summary, the currently available evidence indicates that the variant is pathogenic, but additional data are needed to prove that conclusively. Therefore, this variant has been classified as Likely Pathogenic.

Women's Health and Genetics/Laboratory Corporation of America, LabCorp
Classification: Likely pathogenic for Von Hippel-Lindau Syndrome. Last evaluated: 2011-08-18. Review status: criteria provided, single submitter. Criteria: LabCorp Variant Classification Summary - May 2015. Collection method: curation, clinical testing. Allele origin: germline. Inheritance: autosomal unknown. Affected: yes.
ClinVar note: Converted during submission from likely pathogenic to Likely pathogenic.

Literature cited by the submitters: PubMed 33362715 (cited by Ambry Genetics and Labcorp Genetics (formerly Invitae), Labcorp); PubMed 38969834 (cited by Ambry Genetics); PubMed 21463266 (cited by Labcorp Genetics (formerly Invitae), Labcorp); PubMed 36905328 (cited by Labcorp Genetics (formerly Invitae), Labcorp).